The following is an entry in ClinVar:

NM_004260.4(RECQL4):c.2704C>T (p.Arg902Trp)

Gene: RECQL4 (RecQ like helicase 4; minus strand). Cytogenetic location: 8q24.3.
Variant type: single nucleotide variant.
Coding change: c.2704C>T on transcript NM_004260.4 (MANE Select); coding-DNA position 2704, C replaced by T.
Protein change: p.Arg902Trp; replaces arginine 902 with tryptophan.
Molecular consequence: missense variant.
Genome position (GRCh38, 1-based): chr8:144,512,898, G>A on the plus strand (C>T on the coding strand, the complement: RECQL4 is on the minus strand). VCF-style: chr8-144512898-G-A. GRCh37 (hg19) VCF-style: chr8-145738281-G-A.
Other names: short protein forms R902W.
Identifiers: ClinVar variation 459424 (VCV000459424.15), dbSNP rs761231404, ClinGen allele CA4948143.

ClinVar aggregate classification (germline): Conflicting classifications of pathogenicity. Review status: criteria provided, conflicting classifications (1 of 4 stars). 5 submissions from 5 submitters: Likely pathogenic (1); Uncertain significance (3). 1 of the submissions does not count toward it. Last evaluated 2025-11-13.

Conditions:
RECQL4-related disorder. Also called: RECQL4-related condition; RECQL4-related disorders.
Ovarian cancer. Also called: OVARIAN CANCER, SOMATIC. Identifiers: Orphanet 213500, MedGen C1140680, MONDO:0008170, OMIM 167000.
Baller-Gerold syndrome (BGS). Also called: CRANIOSYNOSTOSIS WITH RADIAL DEFECTS. Identifiers: Orphanet 1225, MedGen C0265308, MONDO:0009039, OMIM 218600.
Malignant tumor of breast. Also called: Malignant breast neoplasm; Cancer breast. Identifiers: MedGen C0006142, MONDO:0007254. Disease mechanism: loss of function.

Allele frequency attached by ClinVar (database versions not stated): gnomAD 0.00001; TOPMed 0.00001; gnomAD exomes 0.00002; ExAC 0.00004.

Submissions (5):

Labcorp Genetics (formerly Invitae), Labcorp
Classification: Uncertain significance for Baller-Gerold syndrome. Last evaluated: 2025-11-13. Review status: criteria provided, single submitter. Criteria: Invitae Variant Classification Sherloc (09022015). Collection method: clinical testing. Allele origin: germline.
Comment: This sequence change replaces arginine, which is basic and polar, with tryptophan, which is neutral and slightly polar, at codon 902 of the RECQL4 protein (p.Arg902Trp). The frequency data for this variant in the population databases is considered unreliable, as metrics indicate poor data quality at this position in the gnomAD database. This variant has not been reported in the literature in individuals affected with RECQL4-related conditions. ClinVar contains an entry for this variant (Variation ID: 459424). Invitae Evidence Modeling of protein sequence and biophysical properties (such as structural, functional, and spatial information, amino acid conservation, physicochemical variation, residue mobility, and thermodynamic stability) indicates that this missense variant is expected to disrupt RECQL4 protein function with a positive predictive value of 80%. In summary, the available evidence is currently insufficient to determine the role of this variant in disease. Therefore, it has been classified as a Variant of Uncertain Significance.

PreventionGenetics, part of Exact Sciences
Classification: Uncertain significance for RECQL4-related condition. Last evaluated: 2023-01-17. Review status: criteria provided, single submitter. Criteria: ACMG Guidelines, 2015. Collection method: clinical testing. Allele origin: germline.
Comment: The RECQL4 c.2704C>T variant is predicted to result in the amino acid substitution p.Arg902Trp. This variant was reported in an individual with sporadic breast cancer (Table 2, Moradian et al. 2021. PubMed ID: 33558524). This variant is reported in 0.0011% of alleles in individuals of European (Non-Finnish) descent in gnomAD and is interpreted as a variant of uncertain significance in ClinVar. At this time, the clinical significance of this variant is uncertain due to the absence of conclusive functional and genetic evidence.

Laboratory of Molecular Epidemiology of Birth Defects, West China Second University Hospital, Sichuan University
Classification: Likely pathogenic for Ovarian cancer. Last evaluated: 2022-01-01. Review status: criteria provided, single submitter. Criteria: ACMG Guidelines, 2015. Collection method: clinical testing. Allele origin: germline. Affected: yes.

Institute for Clinical Genetics, University Hospital TU Dresden, University Hospital TU Dresden
Classification: Uncertain significance. Last evaluated: 2021-11-03. Review status: criteria provided, single submitter. Criteria: ACMG Guidelines, 2015. Collection method: clinical testing. Allele origin: germline.

Center of Medical Genetics and Primary Health Care
Classification: Uncertain significance for Breast Cancer. Review status: no assertion criteria provided. Collection method: clinical testing. Allele origin: germline. Affected: yes. Observed: 1 heterozygote. Not counted in ClinVar's aggregate classification.